The following is an entry in ClinVar:

NM_005219.5(DIAPH1):c.1613A>C (p.Glu538Ala)

Gene: DIAPH1 (diaphanous related formin 1; minus strand). Cytogenetic location: 5q31.3.
Variant type: single nucleotide variant.
Coding change: c.1613A>C on transcript NM_005219.5 (MANE Select); coding-DNA position 1613, A replaced by C.
Protein change: p.Glu538Ala; replaces glutamic acid 538 with alanine.
Molecular consequence: missense variant.
Genome position (GRCh38, 1-based): chr5:141,574,995, T>G on the plus strand (A>C on the coding strand, the complement: DIAPH1 is on the minus strand). VCF-style: chr5-141574995-T-G. GRCh37 (hg19) VCF-style: chr5-140954562-T-G.
Other names: c.1586A>C, p.Glu529Ala (NM_001079812.3); c.1613A>C, p.Glu538Ala (NM_001314007.2); c.1613A>C (NM_005219.4); short protein forms E538A, E529A.
Identifiers: ClinVar variation 1513331 (VCV001513331.7), dbSNP rs2154596341, ClinGen allele CA361523157.

ClinVar aggregate classification (germline): Uncertain significance. Review status: criteria provided, multiple submitters, no conflicts (2 of 4 stars). 2 submissions from 2 submitters: Uncertain significance (2). Last evaluated 2023-01-06.

Conditions:
DIAPH1-related disorder. Also called: DIAPH1-related condition.
Autosomal dominant nonsyndromic hearing loss 1. Also called: KONIGSMARK SYNDROME; DEAFNESS, AUTOSOMAL DOMINANT 1, WITH OR WITHOUT THROMBOCYTOPENIA. Identifiers: Orphanet 90635, MedGen C1852282, MONDO:0007424, OMIM 124900.
Progressive microcephaly-seizures-cortical blindness-developmental delay syndrome. Also called: Seizures, cortical blindness, and microcephaly syndrome. Identifiers: Orphanet 477814, MedGen C5567650, MONDO:0014714, OMIM 616632.

Submissions (2):

PreventionGenetics, part of Exact Sciences
Classification: Uncertain significance for DIAPH1-related condition. Last evaluated: 2023-01-06. Review status: criteria provided, single submitter. Criteria: ACMG Guidelines, 2015. Collection method: clinical testing. Allele origin: germline.
Comment: The DIAPH1 c.1613A>C variant is predicted to result in the amino acid substitution p.Glu538Ala. To our knowledge, this variant has not been reported in the literature or in a large population database, indicating this variant is rare. At this time, the clinical significance of this variant is uncertain due to the absence of conclusive functional and genetic evidence.

Labcorp Genetics (formerly Invitae), Labcorp
Classification: Uncertain significance for Progressive microcephaly-seizures-cortical blindness-developmental delay syndrome; Autosomal dominant nonsyndromic hearing loss 1. Last evaluated: 2022-08-15. Review status: criteria provided, single submitter. Criteria: Invitae Variant Classification Sherloc (09022015). Collection method: clinical testing. Allele origin: germline.
Comment: This sequence change replaces glutamic acid, which is acidic and polar, with alanine, which is neutral and non-polar, at codon 538 of the DIAPH1 protein (p.Glu538Ala). This variant is not present in population databases (gnomAD no frequency). This variant has not been reported in the literature in individuals affected with DIAPH1-related conditions. ClinVar contains an entry for this variant (Variation ID: 1513331). Algorithms developed to predict the effect of missense changes on protein structure and function are either unavailable or do not agree on the potential impact of this missense change (SIFT: "Deleterious"; PolyPhen-2: "Not Available"; Align-GVGD: "Class C0"). In summary, the available evidence is currently insufficient to determine the role of this variant in disease. Therefore, it has been classified as a Variant of Uncertain Significance.